The following is an entry in ClinVar:

ClinVar aggregate classification (germline): Uncertain significance (1 of 4 stars; one submission).

Conditions:
Inborn genetic diseases. Identifiers: MedGen C0950123, MeSH D030342.

gnomAD v4.1: 1 of 1,613,466 alleles (0.000062%); highest among the groups gnomAD compares: Admixed American, 0.0017%; no homozygotes.

Submission:

Ambry Genetics
Classification: Uncertain significance for Inborn genetic diseases. Last evaluated: 2025-11-01. Review status: criteria provided, single submitter. Criteria: Ambry Variant Classification Scheme 2023. Collection method: clinical testing. Allele origin: germline.
Comment: The p.K476E variant (also known as c.1426A>G), located in coding exon 9 of the ERCC6L2 gene, results from an A to G substitution at nucleotide position 1426. The lysine at codon 476 is replaced by glutamic acid, an amino acid with similar properties. This amino acid position is conserved. In addition, this alteration is predicted to be tolerated by in silico analysis. Based on the available evidence, the clinical significance of this variant remains unclear.

NM_020207.7(ERCC6L2):c.1426A>G (p.Lys476Glu)

Gene: ERCC6L2 (ERCC excision repair 6 like 2; plus strand). Cytogenetic location: 9q22.32.
Variant type: single nucleotide variant.
Coding change: c.1426A>G on transcript NM_020207.7 (MANE Select); coding-DNA position 1426, A replaced by G.
Protein change: p.Lys476Glu; replaces lysine 476 with glutamic acid.
Molecular consequence: missense variant. On other transcripts: non-coding transcript variant (1).
Genome position (GRCh38, 1-based): chr9:95,923,272, A>G. VCF-style: chr9-95923272-A-G. GRCh37 (hg19) VCF-style: chr9-98685554-A-G.
Other names: c.1426A>G, p.Lys476Glu (NM_001010895.4, NM_001375291.1, NM_001375292.1 and 2 more transcripts); short protein forms K476E.
Identifiers: ClinVar variation 4618745 (VCV004618745.1).
Genomic context (GRCh38, chr9:95,923,272, plus strand): 5'-TGAATGTGTTAAGTGGAAATATCTTTTCTTCTGCCTTTTCCCTTCAAGGAAACACTTATC[A>G]AAAGGATATGTGATCAGGTATTTTCCAGATTCCCAGATTTTGTGCAGAAAAGCAAAGATG-3'
Protein context (NP_064592.3, residues 466-486): STSKQQETLI[Lys476Glu]RICDQVFSRF